The following is an entry in ClinVar:

ClinVar aggregate classification (germline): Uncertain significance (1 of 4 stars; one submission).

Submission:

GeneDx
Classification: Uncertain significance. Last evaluated: 2025-02-13. Review status: criteria provided, single submitter. Criteria: GeneDx Variant Classification Process June 2021. Collection method: clinical testing. Allele origin: germline. Affected: yes.
Comment: Not observed at significant frequency in large population cohorts (gnomAD); In silico analysis supports that this missense variant has a deleterious effect on protein structure/function; Has not been previously published as pathogenic or benign to our knowledge

NM_001080421.3(UNC13A):c.3415C>T (p.Pro1139Ser)

Gene: UNC13A (unc-13 homolog A; minus strand). Cytogenetic location: 19p13.11.
Variant type: single nucleotide variant.
Coding change: c.3415C>T on transcript NM_001080421.3 (MANE Select); coding-DNA position 3415, C replaced by T.
Protein change: p.Pro1139Ser; replaces proline 1139 with serine.
Molecular consequence: missense variant.
Genome position (GRCh38, 1-based): chr19:17,632,795, G>A on the plus strand (C>T on the coding strand, the complement: UNC13A is on the minus strand). VCF-style: chr19-17632795-G-A. GRCh37 (hg19) VCF-style: chr19-17743604-G-A.
Other names: c.3409C>T, p.Pro1137Ser (NM_001387021.1, NM_001387022.1, NM_001387023.1); short protein forms P1137S, P1139S.
Identifiers: ClinVar variation 4077213 (VCV004077213.1).